The following is an entry in ClinVar:

NM_001211.6(BUB1B):c.1205A>T (p.Lys402Met)

Gene: BUB1B (BUB1 mitotic checkpoint serine/threonine kinase B; plus strand). Cytogenetic location: 15q15.1.
Variant type: single nucleotide variant.
Coding change: c.1205A>T on transcript NM_001211.6 (MANE Select); coding-DNA position 1205, A replaced by T.
Protein change: p.Lys402Met; replaces lysine 402 with methionine.
Molecular consequence: missense variant.
Genome position (GRCh38, 1-based): chr15:40,196,691, A>T. VCF-style: chr15-40196691-A-T. GRCh37 (hg19) VCF-style: chr15-40488892-A-T.
Other names: short protein forms K402M.
Identifiers: ClinVar variation 3483244 (VCV003483244.1).

ClinVar aggregate classification (germline): Uncertain significance (1 of 4 stars; one submission).

Conditions:
Inborn genetic diseases. Identifiers: MedGen C0950123, MeSH D030342.

Submission:

Ambry Genetics
Classification: Uncertain significance for Inborn genetic diseases. Last evaluated: 2024-11-26. Review status: criteria provided, single submitter. Criteria: Ambry Variant Classification Scheme 2023. Collection method: clinical testing. Allele origin: germline.
Comment: The p.K402M variant (also known as c.1205A>T), located in coding exon 9 of the BUB1B gene, results from an A to T substitution at nucleotide position 1205. The lysine at codon 402 is replaced by methionine, an amino acid with similar properties. This amino acid position is conserved. In addition, the in silico prediction for this alteration is inconclusive. Based on the available evidence, the clinical significance of this variant remains unclear.